The following is an entry in ClinVar:

ClinVar aggregate classification (germline): Uncertain significance. Review status: criteria provided, multiple submitters, no conflicts (2 of 4 stars). 2 submissions from 2 submitters: Uncertain significance (2). Last evaluated 2025-07-15.

Conditions:
Hereditary cancer-predisposing syndrome. Also called: Hereditary Cancer Syndrome; Hereditary neoplastic syndrome; Neoplastic Syndromes, Hereditary; Tumor predisposition. Identifiers: Orphanet 140162, MedGen C0027672, MeSH D009386, MONDO:0015356.
EGFR-related lung cancer (EGFR). Identifiers: MedGen CN130014.

Submissions (2):

Ambry Genetics
Classification: Uncertain significance for Hereditary cancer-predisposing syndrome. Last evaluated: 2025-07-15. Review status: criteria provided, single submitter. Criteria: Ambry Variant Classification Scheme 2023. Collection method: clinical testing. Allele origin: germline.
Comment: The p.S457N variant (also known as c.1370G>A), located in coding exon 12 of the EGFR gene, results from a G to A substitution at nucleotide position 1370. The serine at codon 457 is replaced by asparagine, an amino acid with highly similar properties. This amino acid position is highly conserved in available vertebrate species. In addition, this alteration is predicted to be tolerated by in silico analysis. Based on the available evidence, the clinical significance of this variant remains unclear.

Labcorp Genetics (formerly Invitae), Labcorp
Classification: Uncertain significance for EGFR-related lung cancer. Last evaluated: 2024-11-24. Review status: criteria provided, single submitter. Criteria: Invitae Variant Classification Sherloc (09022015). Collection method: clinical testing. Allele origin: germline.
Comment: This sequence change replaces serine, which is neutral and polar, with asparagine, which is neutral and polar, at codon 457 of the EGFR protein (p.Ser457Asn). This variant is present in population databases (no rsID available, gnomAD 0.006%). This variant has not been reported in the literature in individuals affected with EGFR-related conditions. Invitae Evidence Modeling of protein sequence and biophysical properties (such as structural, functional, and spatial information, amino acid conservation, physicochemical variation, residue mobility, and thermodynamic stability) indicates that this missense variant is not expected to disrupt EGFR protein function with a negative predictive value of 80%. In summary, the available evidence is currently insufficient to determine the role of this variant in disease. Therefore, it has been classified as a Variant of Uncertain Significance.

NM_005228.5(EGFR):c.1370G>A (p.Ser457Asn)

Gene: EGFR (epidermal growth factor receptor; plus strand). Cytogenetic location: 7p11.2.
Variant type: single nucleotide variant.
Coding change: c.1370G>A on transcript NM_005228.5 (MANE Select); coding-DNA position 1370, G replaced by A.
Protein change: p.Ser457Asn; replaces serine 457 with asparagine.
Molecular consequence: missense variant.
Genome position (GRCh38, 1-based): chr7:55,160,210, G>A. VCF-style: chr7-55160210-G-A. GRCh37 (hg19) VCF-style: chr7-55227903-G-A.
Other names: c.1235G>A, p.Ser412Asn (NM_001346899.2, NM_001346897.2); c.1211G>A, p.Ser404Asn (NM_001346900.2); c.569G>A, p.Ser190Asn (NM_001346941.2); c.1370G>A, p.Ser457Asn (NM_201282.2, NM_201284.2, NM_001346898.2); short protein forms S190N, S404N, S457N, S412N.
Identifiers: ClinVar variation 3667319 (VCV003667319.3).